The following is an entry in ClinVar:

NM_000141.5(FGFR2):c.1042A>G (p.Ile348Val)

Gene: FGFR2 (fibroblast growth factor receptor 2; minus strand). Cytogenetic location: 10q26.13.
Variant type: single nucleotide variant.
Coding change: c.1042A>G on transcript NM_000141.5 (MANE Select); coding-DNA position 1042, A replaced by G.
Protein change: p.Ile348Val; replaces isoleucine 348 with valine.
Molecular consequence: missense variant. On other transcripts: non-coding transcript variant (1), intron variant (5).
Genome position (GRCh38, 1-based): chr10:121,517,361, T>C on the plus strand (A>G on the coding strand, the complement: FGFR2 is on the minus strand). VCF-style: chr10-121517361-T-C. GRCh37 (hg19) VCF-style: chr10-123276875-T-C.
Other names: c.775A>G, p.Ile259Val (NM_001144915.2, NM_023029.3); c.697A>G, p.Ile233Val (NM_001144916.2, NM_001144918.2); c.358A>G, p.Ile120Val (NM_001320654.2); c.1042A>G, p.Ile348Val (NM_001320658.2); c.749-2042A>G (NM_001144914.1); c.939+2618A>G (NM_001144917.2); c.1087+1321A>G (NM_022970.4, NM_001144913.1); c.820+1321A>G (NM_001144919.2); short protein forms I259V, I233V, I120V, I348V.
Identifiers: ClinVar variation 2780568 (VCV002780568.3), dbSNP rs2540048212, ClinGen allele CA378327827.

ClinVar aggregate classification (germline): Uncertain significance (1 of 4 stars; one submission).

Conditions:
FGFR2-related craniosynostosis. Identifiers: MedGen CN231480.

Submission:

Labcorp Genetics (formerly Invitae), Labcorp
Classification: Uncertain significance for FGFR2-related craniosynostosis. Last evaluated: 2023-12-02. Review status: criteria provided, single submitter. Criteria: Invitae Variant Classification Sherloc (09022015). Collection method: clinical testing. Allele origin: germline.
Comment: This sequence change replaces isoleucine, which is neutral and non-polar, with valine, which is neutral and non-polar, at codon 348 of the FGFR2 protein (p.Ile348Val). This variant is not present in population databases (gnomAD no frequency). This variant has not been reported in the literature in individuals affected with FGFR2-related conditions. Advanced modeling of protein sequence and biophysical properties (such as structural, functional, and spatial information, amino acid conservation, physicochemical variation, residue mobility, and thermodynamic stability) has been performed at Invitae for this missense variant, however the output from this modeling did not meet the statistical confidence thresholds required to predict the impact of this variant on FGFR2 protein function. In summary, the available evidence is currently insufficient to determine the role of this variant in disease. Therefore, it has been classified as a Variant of Uncertain Significance.